The following is an entry in ClinVar:

NM_000051.4(ATM):c.3767T>G (p.Ile1256Ser)

Gene: ATM (ATM serine/threonine kinase; plus strand). Cytogenetic location: 11q22.3.
Variant type: single nucleotide variant.
Coding change: c.3767T>G on transcript NM_000051.4 (MANE Select); coding-DNA position 3767, T replaced by G.
Protein change: p.Ile1256Ser; replaces isoleucine 1256 with serine.
Molecular consequence: missense variant.
Genome position (GRCh38, 1-based): chr11:108,284,247, T>G. VCF-style: chr11-108284247-T-G. GRCh37 (hg19) VCF-style: chr11-108154974-T-G.
Other names: c.3767T>G, p.Ile1256Ser (NM_001351834.2); short protein forms I1256S.
Identifiers: ClinVar variation 2804810 (VCV002804810.3), dbSNP rs757510349, ClinGen allele CA6265350.

ClinVar aggregate classification (germline): Uncertain significance (1 of 4 stars; one submission).

Conditions:
Ataxia-telangiectasia syndrome (AT). Also called: Ataxia-telangiectasia, complementation group E; ATAXIA-TELANGIECTASIA, COMPLEMENTATION GROUP A; ATAXIA-TELANGIECTASIA, FRESNO VARIANT; Ataxia-telangiectasia; LOUIS-BAR SYNDROME; Ataxia-telangiectasia, complementation group D. Identifiers: Orphanet 100, MedGen C0004135, MONDO:0008840, OMIM 208900.

Allele frequency attached by ClinVar (database versions not stated): gnomAD exomes below 0.00001; ExAC 0.00001.
gnomAD v4.1: 1 of 1,610,786 alleles (0.000062%); highest among the groups gnomAD compares: Non-Finnish European, 0.000085%; no homozygotes.

Submission:

Labcorp Genetics (formerly Invitae), Labcorp
Classification: Uncertain significance for Ataxia-telangiectasia syndrome. Last evaluated: 2023-12-21. Review status: criteria provided, single submitter. Criteria: Invitae Variant Classification Sherloc (09022015). Collection method: clinical testing. Allele origin: germline.
Comment: This sequence change replaces isoleucine, which is neutral and non-polar, with serine, which is neutral and polar, at codon 1256 of the ATM protein (p.Ile1256Ser). This variant is present in population databases (rs757510349, gnomAD 0.0009%). This variant has not been reported in the literature in individuals affected with ATM-related conditions. An algorithm developed to predict the effect of missense changes on protein structure and function (PolyPhen-2) suggests that this variant is likely to be tolerated. In summary, the available evidence is currently insufficient to determine the role of this variant in disease. Therefore, it has been classified as a Variant of Uncertain Significance.